The following is an entry in ClinVar:

NM_012463.4(ATP6V0A2):c.*2646A>G

Gene: ATP6V0A2 (ATPase H+ transporting V0 subunit a2; plus strand). Cytogenetic location: 12q24.31.
Variant type: single nucleotide variant.
Coding change: c.*2646A>G on transcript NM_012463.4 (MANE Select); 2646 bases downstream of the stop codon, A replaced by G.
Molecular consequence: 3 prime UTR variant.
Genome position (GRCh38, 1-based): chr12:123,760,678, A>G. VCF-style: chr12-123760678-A-G. GRCh37 (hg19) VCF-style: chr12-124245225-A-G.
Identifiers: ClinVar variation 307631 (VCV000307631.5), dbSNP rs77292614, ClinGen allele CA10636759.
Genomic context (GRCh38, chr12:123,760,678, plus strand): 5'-TTTTATTTAGATGTTTATTACCATGTGTTAACAGAATCTTAAAACCCAAGGGATTTCTTC[A>G]GTAAACTAGACTTTGATTCAACCTGCTGGGCTGGAGACTGTAATTGCCGTGGTCAGTTAA-3'

ClinVar aggregate classification (germline): Benign (1 of 4 stars; one submission).

Conditions:
Cutis laxa with osteodystrophy (ARCL2A). Also called: Debré-Type Cutis Laxa; CUTIS LAXA WITH CONGENITAL DISORDER OF GLYCOSYLATION; CUTIS LAXA, AUTOSOMAL RECESSIVE, TYPE IIA; CUTIS LAXA WITH BONE DYSTROPHY; CUTIS LAXA WITH GROWTH AND DEVELOPMENTAL DELAY; CUTIS LAXA WITH JOINT LAXITY AND RETARDED DEVELOPMENT. Identifiers: Orphanet 357058, MedGen C0268355, MONDO:0018163, OMIM 219200. Disease mechanism: loss of function.

Allele frequency attached by ClinVar (database versions not stated): gnomAD 0.01107 and 0.01186; TOPMed 0.01240; 1000 Genomes Project 0.01098; 1000 Genomes Project 30x 0.01187.

Submission:

Illumina Laboratory Services, Illumina
Classification: Benign for Cutis laxa with osteodystrophy. Last evaluated: 2018-01-13. Review status: criteria provided, single submitter. Criteria: ICSL Variant Classification Criteria 13 December 2019. Collection method: clinical testing. Allele origin: germline.
Comment: This variant was observed in the ICSL laboratory as part of a predisposition screen in an ostensibly healthy population. It had not been previously curated by ICSL or reported in the Human Gene Mutation Database (HGMD: prior to June 1st, 2018), and was therefore a candidate for classification through an automated scoring system. Utilizing variant allele frequency, disease prevalence and penetrance estimates, and inheritance mode, an automated score was calculated to assess if this variant is too frequent to cause the disease. Based on the score and internal cut-off values, a variant classified as benign is not then subjected to further curation. The score for this variant resulted in a classification of benign for this disease.